The following is an entry in ClinVar:

ClinVar aggregate classification (germline): Conflicting classifications of pathogenicity. Review status: criteria provided, conflicting classifications (1 of 4 stars). 3 submissions from 3 submitters: Uncertain significance (2); Likely benign (1). Last evaluated 2024-12-13.

Conditions:
Hereditary cancer-predisposing syndrome. Also called: Hereditary Cancer Syndrome; Neoplastic Syndromes, Hereditary; Tumor predisposition; Hereditary neoplastic syndrome. Identifiers: Orphanet 140162, MedGen C0027672, MeSH D009386, MONDO:0015356.
Hereditary diffuse gastric adenocarcinoma (HDGC). Also called: DIFFUSE GASTRIC AND LOBULAR BREAST CANCER SYNDROME. Identifiers: Orphanet 26106, MedGen C1708349, MONDO:0007648, OMIM 137215.

Allele frequency attached by ClinVar (database versions not stated): gnomAD exomes below 0.00001; TOPMed below 0.00001; ExAC 0.00001; gnomAD 0.00001.
gnomAD v4.1: 1 of 1,613,926 alleles (0.000062%); highest among the groups gnomAD compares: African/African-American, 0.0013%; no homozygotes.

Submissions (3):

GeneDx
Classification: Uncertain significance. Last evaluated: 2024-12-13. Review status: criteria provided, single submitter. Criteria: GeneDx Variant Classification Process June 2021. Collection method: clinical testing. Allele origin: germline. Affected: yes.
Comment: Not observed at significant frequency in large population cohorts (gnomAD); In silico analysis indicates that this missense variant does not alter protein structure/function; Has not been previously published as pathogenic or benign to our knowledge; This variant is associated with the following publications: (PMID: 15235021, 22850631)

Labcorp Genetics (formerly Invitae), Labcorp
Classification: Uncertain significance for Hereditary diffuse gastric adenocarcinoma. Last evaluated: 2023-07-07. Review status: criteria provided, single submitter. Criteria: Invitae Variant Classification Sherloc (09022015). Collection method: clinical testing. Allele origin: germline.
Comment: In summary, the available evidence is currently insufficient to determine the role of this variant in disease. Therefore, it has been classified as a Variant of Uncertain Significance. Algorithms developed to predict the effect of missense changes on protein structure and function output the following: SIFT: "Not Available"; PolyPhen-2: "Benign"; Align-GVGD: "Not Available". The threonine amino acid residue is found in multiple mammalian species, which suggests that this missense change does not adversely affect protein function. ClinVar contains an entry for this variant (Variation ID: 230462). This variant has not been reported in the literature in individuals affected with CDH1-related conditions. This variant is present in population databases (rs773006015, gnomAD 0.007%). This sequence change replaces methionine, which is neutral and non-polar, with threonine, which is neutral and polar, at codon 670 of the CDH1 protein (p.Met670Thr).

Ambry Genetics
Classification: Likely benign for Hereditary cancer-predisposing syndrome. Last evaluated: 2021-12-13. Review status: criteria provided, single submitter. Criteria: Ambry Variant Classification Scheme 2023. Collection method: clinical testing. Allele origin: germline.

NM_004360.5(CDH1):c.2009T>C (p.Met670Thr)

Gene: CDH1 (cadherin 1; plus strand). Cytogenetic location: 16q22.1.
Variant type: single nucleotide variant.
Coding change: c.2009T>C on transcript NM_004360.5 (MANE Select); coding-DNA position 2009, T replaced by C.
Protein change: p.Met670Thr; replaces methionine 670 with threonine.
Molecular consequence: missense variant.
Genome position (GRCh38, 1-based): chr16:68,823,471, T>C. VCF-style: chr16-68823471-T-C. GRCh37 (hg19) VCF-style: chr16-68857374-T-C.
Other names: c.2009T>C (LRG_301t1); c.1826T>C, p.Met609Thr (NM_001317184.2); c.461T>C, p.Met154Thr (NM_001317185.2); c.44T>C, p.Met15Thr (NM_001317186.2); short protein forms M670T, M15T, M154T, M609T.
Identifiers: ClinVar variation 230462 (VCV000230462.13), dbSNP rs773006015, ClinGen allele CA8130186.